The following is an entry in ClinVar:

NM_001375808.2(LPIN2):c.2568C>T (p.Leu856=)

Gene: LPIN2 (lipin 2; minus strand). Cytogenetic location: 18p11.31.
Variant type: single nucleotide variant.
Coding change: c.2568C>T on transcript NM_001375808.2 (MANE Select); coding-DNA position 2568, C replaced by T.
Protein change: p.Leu856=; no amino-acid change (leucine 856 retained).
Molecular consequence: synonymous variant.
Genome position (GRCh38, 1-based): chr18:2,920,416, G>A on the plus strand (C>T on the coding strand, the complement: LPIN2 is on the minus strand). VCF-style: chr18-2920416-G-A. GRCh37 (hg19) VCF-style: chr18-2920414-G-A.
Other names: p.L856L:CTC>CTT; c.2568C>T, p.Leu856= (NM_001375809.1, NM_014646.2).
Identifiers: ClinVar variation 138138 (VCV000138138.34), dbSNP rs149862905, ClinGen allele CA291964.

ClinVar aggregate classification (germline): Conflicting classifications of pathogenicity. Review status: criteria provided, conflicting classifications (1 of 4 stars). 10 submissions from 10 submitters: Uncertain significance (2); Benign (1); Likely benign (6). 1 of the submissions does not count toward it. Last evaluated 2026-04-01.

Conditions:
LPIN2-related disorder. Also called: LPIN2-related condition.
Autoinflammatory syndrome. Identifiers: Orphanet 93665, MedGen C3890737, MONDO:0019751.
Majeed syndrome (MJDS). Also called: CHRONIC RECURRENT MULTIFOCAL OSTEOMYELITIS 1, WITH CONGENITAL DYSERYTHROPOIETIC ANEMIA, WITH OR WITHOUT NEUTROPHILIC DERMATOSIS; LPIN2-Related Majeed Syndrome. Identifiers: Orphanet 77297, MedGen C1864997, MONDO:0012316, OMIM 609628.

Allele frequency attached by ClinVar (database versions not stated): ESP Exome Variant Server 0.00031; ExAC 0.00033; gnomAD 0.00045 and 0.00050; TOPMed 0.00075; 1000 Genomes Project 30x 0.00078; 1000 Genomes Project 0.00100.
gnomAD v4.1: 576 of 1,613,842 alleles (0.036%); highest among the groups gnomAD compares: Admixed American, 0.083%; 3 homozygotes.

Submissions (10):

CeGaT Center for Human Genetics Tuebingen
Classification: Likely benign. Last evaluated: 2026-04-01. Review status: criteria provided, single submitter. Criteria: CeGaT Center For Human Genetics Tuebingen Variant Classification Criteria Version 2. Collection method: clinical testing. Allele origin: germline. Affected: yes. Observed: 1 variant allele.
Comment: LPIN2: BP4, BP7

Labcorp Genetics (formerly Invitae), Labcorp
Classification: Likely benign for Majeed syndrome. Last evaluated: 2025-12-30. Review status: criteria provided, single submitter. Criteria: Invitae Variant Classification Sherloc (09022015). Collection method: clinical testing. Allele origin: germline.

Laboratory of Genetics, Children's Clinical University Hospital Latvia
Classification: Likely benign. Last evaluated: 2025-02-16. Review status: criteria provided, single submitter. Criteria: ACMG Guidelines, 2015. Collection method: clinical testing. Allele origin: germline. Affected: yes.

Women's Health and Genetics/Laboratory Corporation of America, LabCorp
Classification: Likely benign. Last evaluated: 2025-02-03. Review status: criteria provided, single submitter. Criteria: LabCorp Variant Classification Summary - May 2015. Collection method: clinical testing. Allele origin: germline.

Blueprint Genetics
Classification: Likely benign. Last evaluated: 2024-11-25. Review status: criteria provided, single submitter. Criteria: ACMG Guidelines, 2015. Collection method: clinical testing. Allele origin: germline.

ARUP Laboratories, Molecular Genetics and Genomics, ARUP Laboratories
Classification: Likely benign for Majeed syndrome. Last evaluated: 2021-09-03. Review status: criteria provided, single submitter. Criteria: ARUP Molecular Germline Variant Investigation Process 2021. Collection method: clinical testing. Allele origin: germline.

Illumina Laboratory Services, Illumina
Classification: Uncertain significance for Majeed syndrome. Last evaluated: 2018-01-13. Review status: criteria provided, single submitter. Criteria: ICSL Variant Classification Criteria 13 December 2019. Collection method: clinical testing. Allele origin: germline.

Genome Diagnostics Laboratory, The Hospital for Sick Children
Classification: Uncertain significance for Autoinflammatory syndrome. Last evaluated: 2018-01-01. Review status: criteria provided, single submitter. Criteria: ACMG Guidelines, 2015. Collection method: clinical testing. Allele origin: germline. Affected: yes.

GeneDx
Classification: Benign. Last evaluated: 2013-03-11. Review status: criteria provided, single submitter. Criteria: GeneDx Variant Classification (06012015). Collection method: clinical testing. Allele origin: germline. Affected: yes.
Comment: This variant is considered likely benign or benign based on one or more of the following criteria: it is a conservative change, it occurs at a poorly conserved position in the protein, it is predicted to be benign by multiple in silico algorithms, and/or has population frequency not consistent with disease.

PreventionGenetics, part of Exact Sciences
Classification: Likely benign for LPIN2-related condition. Last evaluated: 2021-11-12. Review status: no assertion criteria provided. Collection method: clinical testing. Allele origin: germline. Not counted in ClinVar's aggregate classification.
Comment: This variant is classified as likely benign based on ACMG/AMP sequence variant interpretation guidelines (Richards et al. 2015 PMID: 25741868, with internal and published modifications).